The following is an entry in ClinVar:

ClinVar aggregate classification (germline): Benign/Likely benign. Review status: criteria provided, multiple submitters, no conflicts (2 of 4 stars). 3 submissions from 3 submitters: Benign (1); Likely benign (1). 1 of the submissions does not count toward it. Last evaluated 2026-02-01.

Conditions:
CTR9-related disorder. Also called: CTR9-related condition.

Allele frequency attached by ClinVar (database versions not stated): ESP Exome Variant Server 0.01301; 1000 Genomes Project 30x 0.01343; gnomAD exomes 0.00097 and 0.00261; ExAC 0.00335; gnomAD 0.01081 and 0.01168; TOPMed 0.01230; 1000 Genomes Project 0.01298.

Submissions (8):

Labcorp Genetics (formerly Invitae), Labcorp
Classification: Benign. Last evaluated: 2026-02-01. Review status: criteria provided, single submitter. Criteria: Invitae Variant Classification Sherloc (09022015). Collection method: clinical testing. Allele origin: germline.

GeneDx
Classification: Likely benign. Last evaluated: 2021-04-08. Review status: criteria provided, single submitter. Criteria: GeneDx Variant Classification Process June 2021. Collection method: clinical testing. Allele origin: germline. Affected: yes.

PreventionGenetics, part of Exact Sciences
Classification: Benign for CTR9-related condition. Last evaluated: 2019-07-12. Review status: no assertion criteria provided. Collection method: clinical testing. Allele origin: germline. Not counted in ClinVar's aggregate classification.
Comment: This variant is classified as benign based on ACMG/AMP sequence variant interpretation guidelines (Richards et al. 2015 PMID: 25741868, with internal and published modifications).

Dr. Peter K. Rogan Lab, Western University
No classification provided (evidence only). Condition: Acute myeloid leukemia. Review status: no classification provided. Collection method: in vitro. Allele origin: not applicable. Functional consequence: retained intron. Not counted in ClinVar's aggregate classification.

Dr. Peter K. Rogan Lab, Western University
No classification provided (evidence only). Condition: Uterine corpus endometrial carcinoma. Review status: no classification provided. Collection method: in vitro. Allele origin: not applicable. Functional consequence: retained intron. Not counted in ClinVar's aggregate classification.

Dr. Peter K. Rogan Lab, Western University
No classification provided (evidence only). Condition: Sarcoma. Review status: no classification provided. Collection method: in vitro. Allele origin: not applicable. Functional consequence: retained intron. Not counted in ClinVar's aggregate classification.

Dr. Peter K. Rogan Lab, Western University
No classification provided (evidence only). Condition: Sarcoma. Review status: no classification provided. Collection method: in vitro. Allele origin: not applicable. Functional consequence: retained intron. Not counted in ClinVar's aggregate classification.

Dr. Peter K. Rogan Lab, Western University
No classification provided (evidence only). Condition: Gastric cancer. Review status: no classification provided. Collection method: in vitro. Allele origin: not applicable. Functional consequence: retained intron. Not counted in ClinVar's aggregate classification.

NM_014633.5(CTR9):c.1687-3C>T

Gene: CTR9 (CTR9 component of Paf1/RNA polymerase II complex; plus strand). Cytogenetic location: 11p15.4.
Variant type: single nucleotide variant.
Coding change: c.1687-3C>T on transcript NM_014633.5 (MANE Select); 3 bases into the intron before coding-DNA position 1687, C replaced by T.
Molecular consequence: intron variant.
Genome position (GRCh38, 1-based): chr11:10,767,803, C>T. VCF-style: chr11-10767803-C-T. GRCh37 (hg19) VCF-style: chr11-10789350-C-T.
Other names: c.1687-3C>T (NM_001346279.2, NM_014633.4).
Identifiers: ClinVar variation 1164641 (VCV001164641.13), dbSNP rs76650154, ClinGen allele CA5885170.